The following is an entry in ClinVar:

NM_005732.4(RAD50):c.691G>A (p.Glu231Lys)

Gene: RAD50 (RAD50 double strand break repair protein; plus strand). Cytogenetic location: 5q31.1.
Variant type: single nucleotide variant.
Coding change: c.691G>A on transcript NM_005732.4 (MANE Select); coding-DNA position 691, G replaced by A.
Protein change: p.Glu231Lys; replaces glutamic acid 231 with lysine.
Molecular consequence: missense variant.
Genome position (GRCh38, 1-based): chr5:132,580,001, G>A. VCF-style: chr5-132580001-G-A. GRCh37 (hg19) VCF-style: chr5-131915693-G-A.
Other names: short protein forms E231K.
Identifiers: ClinVar variation 4862845 (VCV004862845.1).

ClinVar aggregate classification (germline): Uncertain significance (1 of 4 stars; one submission).

Conditions:
Hereditary cancer-predisposing syndrome. Also called: Neoplastic Syndromes, Hereditary; Tumor predisposition; Hereditary Cancer Syndrome; Hereditary neoplastic syndrome. Identifiers: Orphanet 140162, MedGen C0027672, MeSH D009386, MONDO:0015356.

gnomAD v4.1: 5 of 1,613,408 alleles (0.00031%); highest among the groups gnomAD compares: South Asian, 0.0055%; 1 homozygote.

Submission:

Ambry Genetics
Classification: Uncertain significance for Hereditary cancer-predisposing syndrome. Last evaluated: 2026-05-14. Review status: criteria provided, single submitter. Criteria: Ambry Variant Classification Scheme 2023. Collection method: clinical testing. Allele origin: germline.
Comment: The p.E231K variant (also known as c.691G>A), located in coding exon 5 of the RAD50 gene, results from a G to A substitution at nucleotide position 691. The glutamic acid at codon 231 is replaced by lysine, an amino acid with similar properties. This amino acid position is conserved. In addition, the in silico prediction for this alteration is inconclusive. Based on the available evidence, the clinical significance of this variant remains unclear.